The following is an entry in ClinVar:

NM_001557.4(CXCR2):c.1021C>A (p.Pro341Thr)

Gene: CXCR2 (C-X-C motif chemokine receptor 2; plus strand). Cytogenetic location: 2q35.
Variant type: single nucleotide variant.
Coding change: c.1021C>A on transcript NM_001557.4 (MANE Select); coding-DNA position 1021, C replaced by A.
Protein change: p.Pro341Thr; replaces proline 341 with threonine.
Molecular consequence: missense variant.
Genome position (GRCh38, 1-based): chr2:218,135,822, C>A. VCF-style: chr2-218135822-C-A. GRCh37 (hg19) VCF-style: chr2-219000545-C-A.
Other names: c.1021C>A, p.Pro341Thr (NM_001168298.2); short protein forms P341T.
Identifiers: ClinVar variation 2056380 (VCV002056380.4), dbSNP rs752426918, ClinGen allele CA2101836.

ClinVar aggregate classification (germline): Uncertain significance (1 of 4 stars; one submission).

Allele frequency attached by ClinVar (database versions not stated): gnomAD exomes below 0.00001; TOPMed below 0.00001; ExAC 0.00001.

Submission:

Labcorp Genetics (formerly Invitae), Labcorp
Classification: Uncertain significance. Last evaluated: 2024-11-18. Review status: criteria provided, single submitter. Criteria: Invitae Variant Classification Sherloc (09022015). Collection method: clinical testing. Allele origin: germline.
Comment: This sequence change replaces proline, which is neutral and non-polar, with threonine, which is neutral and polar, at codon 341 of the CXCR2 protein (p.Pro341Thr). This variant is not present in population databases (gnomAD no frequency). This variant has not been reported in the literature in individuals affected with CXCR2-related conditions. ClinVar contains an entry for this variant (Variation ID: 2056380). An algorithm developed to predict the effect of missense changes on protein structure and function outputs the following: PolyPhen-2: "Benign". The threonine amino acid residue is found in multiple mammalian species, which suggests that this missense change does not adversely affect protein function. In summary, the available evidence is currently insufficient to determine the role of this variant in disease. Therefore, it has been classified as a Variant of Uncertain Significance.